The following is an entry in ClinVar:

ClinVar aggregate classification (germline): Uncertain significance. Review status: criteria provided, multiple submitters, no conflicts (2 of 4 stars). 4 submissions from 4 submitters: Uncertain significance (4). Last evaluated 2025-11-27.

Conditions:
Autosomal recessive limb-girdle muscular dystrophy type 2Q (LGMDR17). Also called: MUSCULAR DYSTROPHY, LIMB-GIRDLE, AUTOSOMAL RECESSIVE 17. Identifiers: Orphanet 254361, MedGen C3150989, MONDO:0013390, OMIM 613723.
Epidermolysis bullosa simplex 5B, with muscular dystrophy (EBS5B). Also called: EPIDERMOLYSIS BULLOSA SIMPLEX AND LIMB-GIRDLE MUSCULAR DYSTROPHY; Epidermolysis bullosa simplex with muscular dystrophy. Identifiers: Orphanet 257, MedGen C2931072, MONDO:0009181, OMIM 226670.
Epidermolysis bullosa simplex, Ogna type (EBS5A). Also called: EPIDERMOLYSIS BULLOSA SIMPLEX 5A, OGNA TYPE; Pidermolysis bullosa simplex 5A, Ogna type. Identifiers: Orphanet 79401, MedGen C0432317, MONDO:0007555, OMIM 131950.
Epidermolysis bullosa simplex 5C, with pyloric atresia (EBS5C). Also called: PLEC-Related Epidermolysis Bullosa with Pyloric Atresia; Epidermolysis bullosa simplex with pyloric atresia; PLEC1-Related Epidermolysis Bullosa with Pyloric Atresia. Identifiers: Orphanet 158684, MedGen C2677349, MONDO:0012807, OMIM 612138.
Epidermolysis bullosa simplex with nail dystrophy (EBS5D). Identifiers: MedGen C4225309, MONDO:0014661, OMIM 616487.
Inborn genetic diseases. Identifiers: MedGen C0950123, MeSH D030342.

Allele frequency attached by ClinVar (database versions not stated): gnomAD exomes 0.00005; ExAC 0.00006; gnomAD 0.00006; TOPMed 0.00007.
gnomAD v4.1: 154 of 1,602,430 alleles (0.0096%); highest among the groups gnomAD compares: Non-Finnish European, 0.012%; no homozygotes.

Submissions (4):

Labcorp Genetics (formerly Invitae), Labcorp
Classification: Uncertain significance for Autosomal recessive limb-girdle muscular dystrophy type 2Q; Epidermolysis bullosa simplex, Ogna type; Epidermolysis bullosa simplex with nail dystrophy; Epidermolysis bullosa simplex 5C, with pyloric atresia; Epidermolysis bullosa simplex 5B, with muscular dystrophy. Last evaluated: 2025-11-27. Review status: criteria provided, single submitter. Criteria: Invitae Variant Classification Sherloc (09022015). Collection method: clinical testing. Allele origin: germline.
Comment: This sequence change replaces alanine, which is neutral and non-polar, with valine, which is neutral and non-polar, at codon 2280 of the PLEC protein (p.Ala2280Val). This variant is present in population databases (rs782329522, gnomAD 0.01%). This variant has not been reported in the literature in individuals affected with PLEC-related conditions. ClinVar contains an entry for this variant (Variation ID: 196740). An algorithm developed to predict the effect of missense changes on protein structure and function (PolyPhen-2) suggests that this variant is likely to be tolerated. In summary, the available evidence is currently insufficient to determine the role of this variant in disease. Therefore, it has been classified as a Variant of Uncertain Significance.

Revvity Omics, Revvity
Classification: Uncertain significance. Last evaluated: 2023-01-09. Review status: criteria provided, single submitter. Criteria: ACMG Guidelines, 2015. Collection method: clinical testing. Allele origin: germline.

Ambry Genetics
Classification: Uncertain significance for Inborn genetic diseases. Last evaluated: 2021-08-02. Review status: criteria provided, single submitter. Criteria: Ambry Variant Classification Scheme 2023. Collection method: clinical testing. Allele origin: germline.

Eurofins Ntd Llc (ga)
Classification: Uncertain significance. Last evaluated: 2015-05-27. Review status: criteria provided, single submitter. Criteria: EGL Classification Definitions 2015. Collection method: clinical testing. Allele origin: germline. Observed: 2 variant alleles, 2 heterozygotes.

NM_201384.3(PLEC):c.6758C>T (p.Ala2253Val)

Gene: PLEC (plectin; minus strand). Cytogenetic location: 8q24.3.
Variant type: single nucleotide variant.
Coding change: c.6758C>T on transcript NM_201384.3 (MANE Select); coding-DNA position 6758, C replaced by T.
Protein change: p.Ala2253Val; replaces alanine 2253 with valine.
Molecular consequence: missense variant.
Genome position (GRCh38, 1-based): chr8:143,923,171, G>A on the plus strand (C>T on the coding strand, the complement: PLEC is on the minus strand). VCF-style: chr8-143923171-G-A. GRCh37 (hg19) VCF-style: chr8-144997339-G-A.
Other names: c.6839C>T, p.Ala2280Val (NM_000445.5); c.6716C>T, p.Ala2239Val (NM_201378.4); c.6692C>T, p.Ala2231Val (NM_201379.3); c.7169C>T, p.Ala2390Val (NM_201380.4); c.6662C>T, p.Ala2221Val (NM_201381.3); c.6758C>T, p.Ala2253Val (NM_201382.4); c.6770C>T, p.Ala2257Val (NM_201383.3); c.6839C>T (NM_000445.3); short protein forms A2221V, A2231V, A2239V, A2253V, A2257V, A2280V, A2390V.
Identifiers: ClinVar variation 196740 (VCV000196740.15), dbSNP rs782329522, ClinGen allele CA243912.